The following is an entry in ClinVar:

ClinVar aggregate classification (germline): Uncertain significance. Review status: criteria provided, multiple submitters, no conflicts (2 of 4 stars). 2 submissions from 2 submitters: Uncertain significance (2). Last evaluated 2025-09-23.

Conditions:
Hereditary cancer-predisposing syndrome. Also called: Hereditary Cancer Syndrome; Tumor predisposition; Hereditary neoplastic syndrome; Neoplastic Syndromes, Hereditary. Identifiers: Orphanet 140162, MedGen C0027672, MeSH D009386, MONDO:0015356.
Hereditary breast ovarian cancer syndrome. Also called: Hereditary breast and/or ovarian cancer syndrome; Hereditary breast and ovarian cancer syndrome; Hereditary breast and ovarian cancer syndrome (HBOC); Breast and ovarian cancer; Hereditary breast and ovarian cancer; BRCA1- and BRCA2-Associated Hereditary Breast and Ovarian Cancer. Identifiers: Orphanet 145, MedGen C0677776, MeSH D061325, MONDO:0003582. Disease mechanism: loss of function.

Submissions (2):

Ambry Genetics
Classification: Uncertain significance for Hereditary cancer-predisposing syndrome. Last evaluated: 2025-09-23. Review status: criteria provided, single submitter. Criteria: Ambry Variant Classification Scheme 2023. Collection method: clinical testing. Allele origin: germline.
Comment: The p.R2625G variant (also known as c.7873A>G), located in coding exon 16 of the BRCA2 gene, results from an A to G substitution at nucleotide position 7873. The arginine at codon 2625 is replaced by glycine, an amino acid with dissimilar properties. The results from two saturation genome editing-based studies, including a haploid cell-survival assay and a humanized mouse embryonic stem cell line assay of drug response and survival, are discordant for this nucleotide substitution (Huang H et al. Nature. 2025 Feb;638(8050):528-537; Sahu S et al. Nature. 2025 Feb;638(8050):538-545).This amino acid position is well conserved in available vertebrate species. In addition, this alteration is predicted to be deleterious by in silico analysis. Based on the available evidence, the clinical significance of this variant remains unclear.

Labcorp Genetics (formerly Invitae), Labcorp
Classification: Uncertain significance for Hereditary breast ovarian cancer syndrome. Last evaluated: 2022-10-17. Review status: criteria provided, single submitter. Criteria: Invitae Variant Classification Sherloc (09022015). Collection method: clinical testing. Allele origin: germline.
Comment: In summary, the available evidence is currently insufficient to determine the role of this variant in disease. Therefore, it has been classified as a Variant of Uncertain Significance. Advanced modeling of protein sequence and biophysical properties (such as structural, functional, and spatial information, amino acid conservation, physicochemical variation, residue mobility, and thermodynamic stability) performed at Invitae indicates that this missense variant is not expected to disrupt BRCA2 protein function. ClinVar contains an entry for this variant (Variation ID: 1057528). This variant has not been reported in the literature in individuals affected with BRCA2-related conditions. This variant is not present in population databases (gnomAD no frequency). This sequence change replaces arginine, which is basic and polar, with glycine, which is neutral and non-polar, at codon 2625 of the BRCA2 protein (p.Arg2625Gly).

Literature cited by the submitters: PubMed 39779848 (cited by Ambry Genetics); PubMed 39779857 (cited by Ambry Genetics).

NM_000059.4(BRCA2):c.7873A>G (p.Arg2625Gly)

Gene: BRCA2 (BRCA2 DNA repair associated; plus strand). Cytogenetic location: 13q13.1.
Variant type: single nucleotide variant.
Coding change: c.7873A>G on transcript NM_000059.4 (MANE Select); coding-DNA position 7873, A replaced by G.
Protein change: p.Arg2625Gly; replaces arginine 2625 with glycine.
Molecular consequence: missense variant.
Genome position (GRCh38, 1-based): chr13:32,362,590, A>G. VCF-style: chr13-32362590-A-G. GRCh37 (hg19) VCF-style: chr13-32936727-A-G.
Other names: c.7873A>G (NM_000059.3); short protein forms R2625G.
Identifiers: ClinVar variation 1057528 (VCV001057528.10), dbSNP rs2137577004, ClinGen allele CA387747096.
Genomic context (GRCh38, chr13:32,362,590, plus strand): 5'-TGTGACACTCCAGGTGTGGATCCAAAGCTTATTTCTAGAATTTGGGTTTATAATCACTAT[A>G]GATGGATCATATGGAAACTGGCAGCTATGGAATGTGCCTTTCCTAAGGAATTTGCTAATA-3'
Protein context (NP_000050.3, residues 2615-2635): ISRIWVYNHY[Arg2625Gly]WIIWKLAAME